The following is an entry in ClinVar:

NM_006514.4(SCN10A):c.196T>C (p.Phe66Leu)

Gene: SCN10A (sodium voltage-gated channel alpha subunit 10; minus strand). Cytogenetic location: 3p22.2.
Variant type: single nucleotide variant.
Coding change: c.196T>C on transcript NM_006514.4 (MANE Select); coding-DNA position 196, T replaced by C.
Protein change: p.Phe66Leu; replaces phenylalanine 66 with leucine.
Molecular consequence: missense variant.
Genome position (GRCh38, 1-based): chr3:38,793,815, A>G on the plus strand (T>C on the coding strand, the complement: SCN10A is on the minus strand). VCF-style: chr3-38793815-A-G. GRCh37 (hg19) VCF-style: chr3-38835306-A-G.
Other names: c.196T>C, p.Phe66Leu (NM_001293306.2, NM_001293307.2); short protein forms F66L.
Identifiers: ClinVar variation 1783598 (VCV001783598.5), dbSNP rs199812598, ClinGen allele CA2321287.

ClinVar aggregate classification (germline): Conflicting classifications of pathogenicity. Review status: criteria provided, conflicting classifications (1 of 4 stars). 2 submissions from 2 submitters: Uncertain significance (1); Likely benign (1). Last evaluated 2025-07-22.

Conditions:
Brugada syndrome. Also called: Sudden unexpected nocturnal death syndrome; Sudden unexplained nocturnal death syndrome; Sudden Unexplained Death Syndrome; Sudden Unexplained Nocturnal Death Syndrome (SUNDS). Identifiers: Orphanet 130, MedGen C1142166, MONDO:0015263.
Cardiovascular phenotype. Identifiers: MedGen CN230736.

Allele frequency attached by ClinVar (database versions not stated): TOPMed 0.00001; ExAC 0.00002; 1000 Genomes Project 0.00020; 1000 Genomes Project 30x 0.00031; gnomAD 0.00001; gnomAD exomes 0.00001.

Submissions (2):

Labcorp Genetics (formerly Invitae), Labcorp
Classification: Uncertain significance for Brugada syndrome. Last evaluated: 2025-07-22. Review status: criteria provided, single submitter. Criteria: Invitae Variant Classification Sherloc (09022015). Collection method: clinical testing. Allele origin: germline.
Comment: This sequence change replaces phenylalanine, which is neutral and non-polar, with leucine, which is neutral and non-polar, at codon 66 of the SCN10A protein (p.Phe66Leu). This variant is present in population databases (rs199812598, gnomAD 0.02%). This variant has not been reported in the literature in individuals affected with SCN10A-related conditions. ClinVar contains an entry for this variant (Variation ID: 1783598). Invitae Evidence Modeling of protein sequence and biophysical properties (such as structural, functional, and spatial information, amino acid conservation, physicochemical variation, residue mobility, and thermodynamic stability) indicates that this missense variant is not expected to disrupt SCN10A protein function with a negative predictive value of 95%. In summary, the available evidence is currently insufficient to determine the role of this variant in disease. Therefore, it has been classified as a Variant of Uncertain Significance.

Ambry Genetics
Classification: Likely benign for Cardiovascular phenotype. Last evaluated: 2024-06-14. Review status: criteria provided, single submitter. Criteria: Ambry Variant Classification Scheme 2023. Collection method: clinical testing. Allele origin: germline.